The following is an entry in ClinVar:

NM_004715.5(CTDP1):c.2364G>C (p.Gly788=)

Gene: CTDP1 (CTD phosphatase 1; plus strand). Cytogenetic location: 18q23.
Variant type: single nucleotide variant.
Coding change: c.2364G>C on transcript NM_004715.5 (MANE Select); coding-DNA position 2364, G replaced by C.
Protein change: p.Gly788=; no amino-acid change (glycine 788 retained).
Molecular consequence: synonymous variant.
Genome position (GRCh38, 1-based): chr18:79,717,963, G>C. VCF-style: chr18-79717963-G-C. GRCh37 (hg19) VCF-style: chr18-77477963-G-C.
Other names: c.2007G>C, p.Gly669= (NM_001202504.1); c.2364G>C, p.Gly788= (NM_001318511.2, NM_048368.4).
Identifiers: ClinVar variation 2648834 (VCV002648834.24), dbSNP rs1310328732, ClinGen allele CA504867311.

ClinVar aggregate classification (germline): Likely benign (1 of 4 stars; one submission).

gnomAD v4.1: 2 of 1,613,366 alleles (0.00012%); highest among the groups gnomAD compares: Admixed American, 0.0017%; no homozygotes.

Submission:

CeGaT Center for Human Genetics Tuebingen
Classification: Likely benign. Last evaluated: 2023-08-01. Review status: criteria provided, single submitter. Criteria: CeGaT Center For Human Genetics Tuebingen Variant Classification Criteria Version 2. Collection method: clinical testing. Allele origin: germline. Affected: yes. Observed: 1 variant allele.
Comment: CTDP1: BP4, BP7